The following is an entry in ClinVar:

NM_005534.4(IFNGR2):c.191A>G (p.Gln64Arg)

Gene: IFNGR2 (interferon gamma receptor 2; plus strand). Cytogenetic location: 21q22.11.
Variant type: single nucleotide variant.
Coding change: c.191A>G on transcript NM_005534.4 (MANE Select); coding-DNA position 191, A replaced by G.
Protein change: p.Gln64Arg; replaces glutamine 64 with arginine.
Molecular consequence: missense variant.
Genome position (GRCh38, 1-based): chr21:33,415,005, A>G. VCF-style: chr21-33415005-A-G. GRCh37 (hg19) VCF-style: chr21-34787312-A-G.
Other names: c.248A>G, p.Gln83Arg (NM_001329128.2); short protein forms Q64R, Q83R.
Identifiers: ClinVar variation 1169473 (VCV001169473.16), dbSNP rs9808753, ClinGen allele CA10006876.
Genomic context (GRCh38, chr21:33,415,005, plus strand): 5'-AGCAGGTCCTGAGTTGGGAGCCAGTGGCCCTGAGCAATAGCACGAGGCCTGTTGTCTACC[A>G]AGTGCAGTTTAAATAGTAAGCCGGTATTTCTGTTGGATCCTTGCTGGGAGCTGTGGGGGC-3'
Protein context (NP_005525.2, residues 54-74): LSNSTRPVVY[Gln64Arg]VQFKYTDSKW

ClinVar aggregate classification (germline): Benign/Likely benign. Review status: criteria provided, multiple submitters, no conflicts (2 of 4 stars). 6 submissions from 6 submitters: Benign (5); Likely benign (1). Last evaluated 2026-02-04.

Conditions:
Immunodeficiency 28 (IMD28). Also called: IFNGR2 DEFICIENCY. Identifiers: Orphanet 319547, Orphanet 319574, MedGen C4013947, MONDO:0013953, OMIM 614889.

Allele frequency attached by ClinVar (database versions not stated): gnomAD exomes 0.16154 and 0.19611; ESP Exome Variant Server 0.16715; gnomAD 0.17239 and 0.17950; TOPMed 0.18097; ExAC 0.19633; 1000 Genomes Project 30x 0.26608; 1000 Genomes Project 0.27196.
gnomAD v4.1: 263,938 of 1,613,674 alleles (16%); highest among the groups gnomAD compares: East Asian, 48%; 25,826 homozygotes.

Submissions (6):

Labcorp Genetics (formerly Invitae), Labcorp
Classification: Benign for Immunodeficiency 28. Last evaluated: 2026-02-04. Review status: criteria provided, single submitter. Criteria: Invitae Variant Classification Sherloc (09022015). Collection method: clinical testing. Allele origin: germline.

Blueprint Genetics
Classification: Likely benign. Last evaluated: 2024-11-28. Review status: criteria provided, single submitter. Criteria: ACMG Guidelines, 2015. Collection method: clinical testing. Allele origin: germline.

Unidad de Genómica Garrahan, Hospital de Pediatría Garrahan
Classification: Benign. Last evaluated: 2024-01-24. Review status: criteria provided, single submitter. Criteria: ACMG Guidelines, 2015. Collection method: clinical testing. Allele origin: germline. Affected: no. Observed: 22 variant alleles.
Comment: This variant is classified as Benign based on local population frequency. This variant was detected in 25% of patients studied by a panel of primary immunodeficiencies. Number of patients: 22. Only high quality variants are reported.

Genome-Nilou Lab
Classification: Benign for Immunodeficiency 28. Last evaluated: 2021-08-10. Review status: criteria provided, single submitter. Criteria: ACMG Guidelines, 2015. Collection method: clinical testing. Allele origin: germline. Affected: no.

GeneDx
Classification: Benign. Last evaluated: 2021-06-09. Review status: criteria provided, single submitter. Criteria: GeneDx Variant Classification Process June 2021. Collection method: clinical testing. Allele origin: germline. Affected: yes.
Comment: This variant is associated with the following publications: (PMID: 20952689, 25854761)

Breakthrough Genomics
Classification: Benign. Review status: criteria provided, single submitter. Criteria: ACMG Guidelines, 2015. Collection method: not provided. Allele origin: germline. Inheritance: Autosomal recessive inheritance. Affected: yes.